The following is an entry in ClinVar:

ClinVar aggregate classification (germline): Conflicting classifications of pathogenicity. Review status: criteria provided, conflicting classifications (1 of 4 stars). 3 submissions from 3 submitters: Uncertain significance (2); Likely benign (1). Last evaluated 2023-03-23.

Conditions:
Hereditary breast ovarian cancer syndrome. Also called: Hereditary breast and/or ovarian cancer syndrome; BRCA1- and BRCA2-Associated Hereditary Breast and Ovarian Cancer; Hereditary breast and ovarian cancer syndrome; Hereditary breast and ovarian cancer; Hereditary breast and ovarian cancer syndrome (HBOC); Breast and ovarian cancer. Identifiers: Orphanet 145, MedGen C0677776, MeSH D061325, MONDO:0003582. Disease mechanism: loss of function.
Hereditary cancer-predisposing syndrome. Also called: Neoplastic Syndromes, Hereditary; Tumor predisposition; Hereditary Cancer Syndrome; Hereditary neoplastic syndrome. Identifiers: Orphanet 140162, MedGen C0027672, MeSH D009386, MONDO:0015356.

Allele frequency attached by ClinVar (database versions not stated): gnomAD exomes below 0.00001.
gnomAD v4.1: 1 of 1,613,824 alleles (0.000062%); highest among the groups gnomAD compares: Admixed American, 0.0017%; no homozygotes.

Submissions (3):

University of Washington Department of Laboratory Medicine, University of Washington
Classification: Likely benign for Hereditary cancer-predisposing syndrome. Last evaluated: 2023-03-23. Review status: criteria provided, single submitter. Criteria: Dines et al. (Genet Med. 2020). Collection method: curation. Allele origin: germline.
Comment: Missense variant in a coldspot region where missense variants are very unlikely to be pathogenic (PMID:31911673).

BRCA1 coldspot (exon 11 using historical exon numbering). Reclassification based on statistical prior probability

Ambry Genetics
Classification: Uncertain significance for Hereditary cancer-predisposing syndrome. Last evaluated: 2021-12-22. Review status: criteria provided, single submitter. Criteria: Ambry Variant Classification Scheme 2023. Collection method: clinical testing. Allele origin: germline.
Comment: The p.T536I variant (also known as c.1607C>T), located in coding exon 9 of the BRCA1 gene, results from a C to T substitution at nucleotide position 1607. The threonine at codon 536 is replaced by isoleucine, an amino acid with similar properties. This amino acid position is not well conserved in available vertebrate species. In addition, the in silico prediction for this alteration is inconclusive. Since supporting evidence is limited at this time, the clinical significance of this alteration remains unclear.

Labcorp Genetics (formerly Invitae), Labcorp
Classification: Uncertain significance for Hereditary breast ovarian cancer syndrome. Last evaluated: 2021-04-23. Review status: criteria provided, single submitter. Criteria: Invitae Variant Classification Sherloc (09022015). Collection method: clinical testing. Allele origin: germline.
Comment: In summary, the available evidence is currently insufficient to determine the role of this variant in disease. Therefore, it has been classified as a Variant of Uncertain Significance. Advanced modeling of protein sequence and biophysical properties (such as structural, functional, and spatial information, amino acid conservation, physicochemical variation, residue mobility, and thermodynamic stability) performed at Invitae indicates that this missense variant is not expected to disrupt BRCA1 protein function. This variant has not been reported in the literature in individuals with BRCA1-related conditions. ClinVar contains an entry for this variant (Variation ID: 819657). This variant is not present in population databases (ExAC no frequency). This sequence change replaces threonine with isoleucine at codon 536 of the BRCA1 protein (p.Thr536Ile). The threonine residue is moderately conserved and there is a moderate physicochemical difference between threonine and isoleucine.

NM_007294.4(BRCA1):c.1607C>T (p.Thr536Ile)

Gene: BRCA1 (BRCA1 DNA repair associated; minus strand). Cytogenetic location: 17q21.31.
Variant type: single nucleotide variant.
Coding change: c.1607C>T on transcript NM_007294.4 (MANE Select); coding-DNA position 1607, C replaced by T.
Protein change: p.Thr536Ile; replaces threonine 536 with isoleucine.
Molecular consequence: missense variant. On other transcripts: intron variant (137).
Genome position (GRCh38, 1-based): chr17:43,093,924, G>A on the plus strand (C>T on the coding strand, the complement: BRCA1 is on the minus strand). VCF-style: chr17-43093924-G-A. GRCh37 (hg19) VCF-style: chr17-41245941-G-A.
Other names: c.574+820C>T (NM_001408490.1, NM_001408491.1, NM_001408493.1); c.454+820C>T (NM_001408502.1); c.577+820C>T (NM_001408489.1, NM_001408479.1, NM_001408481.1 and 9 more transcripts); c.784+820C>T (NM_001408473.1, NM_001408402.1, NM_001408407.1 and 13 more transcripts); c.667+1922C>T (NM_001408431.1, NM_001408424.1, NM_001408421.1); c.661+820C>T (NM_001408432.1, NM_001408445.1, NM_001408446.1 and 6 more transcripts); c.1466C>T, p.Thr489Ile (NM_001407734.1, NM_001407735.1, NM_001407736.1 and 29 more transcripts); c.1463C>T, p.Thr488Ile (NM_001407740.1, NM_001407741.1, NM_001407742.1 and 20 more transcripts); and 40 more; short protein forms T489I, T536I, T424I, T448I, T466I, T488I, T494I, T409I.
Identifiers: ClinVar variation 819657 (VCV000819657.15), dbSNP rs398122638, ClinGen allele CA10598826.